The following is an entry in ClinVar:

ClinVar aggregate classification (germline): Pathogenic (1 of 4 stars; one submission).

Conditions:
Congenital hyperammonemia, type I. Also called: Carbamoyl-phosphate synthase I deficiency; Carbamoyl phosphate synthetase 1 deficiency; Hyperammonemia due to carbamoyl phosphate synthetase 1 deficiency; CPS 1 deficiency; Carbamyl phosphate synthetase (CPS) deficiency; CPS I DEFICIENCY. Identifiers: Orphanet 147, MedGen C4082171, MONDO:0009376, OMIM 237300.

Submission:

Labcorp Genetics (formerly Invitae), Labcorp
Classification: Pathogenic for Congenital hyperammonemia, type I. Last evaluated: 2020-09-26. Review status: criteria provided, single submitter. Criteria: Invitae Variant Classification Sherloc (09022015). Collection method: clinical testing. Allele origin: germline.
Comment: For these reasons, this variant has been classified as Pathogenic. Loss-of-function variants in CPS1 are known to be pathogenic (PMID: 21120950). This variant has not been reported in the literature in individuals with CPS1-related conditions. This variant is not present in population databases (ExAC no frequency). This sequence change creates a premature translational stop signal (p.Thr824Glnfs*2) in the CPS1 gene. It is expected to result in an absent or disrupted protein product.

Literature cited by the submitters: PubMed 21120950.

NM_001875.5(CPS1):c.2470_2482del (p.Thr824fs)

Gene: CPS1 (carbamoyl-phosphate synthase 1; plus strand). Cytogenetic location: 2q34.
Variant type: Deletion.
Coding change: c.2470_2482del on transcript NM_001875.5 (MANE Select); coding-DNA positions 2470 to 2482, 13 bases deleted (ACTCCCCGTCTCC).
Protein change: p.Thr824fs; shifts the reading frame from threonine 824.
Molecular consequence: frameshift variant. On other transcripts: non-coding transcript variant (2).
Genome position (GRCh38, 1-based): chr2:210,612,195-210,612,207, ACTCCCCGTCTCC deleted; deleting any 13 consecutive bases within chr2:210,612,194-210,612,207 gives the same sequence; the c. name uses the placement nearest the transcript's 3' end. VCF-style (leftmost placement, unchanged base first): chr2-210612193-TCACTCCCCGTCTC-T. GRCh37 (hg19) VCF-style: chr2-211476917-TCACTCCCCGTCTC-T.
Other names: c.2470_2482del, p.Thr824fs (NM_001122633.3, NM_001369257.1); c.2503_2515del, p.Thr835fs (NM_001369256.1); short protein forms T824fs, T835fs.
Identifiers: ClinVar variation 1072514 (VCV001072514.7), dbSNP rs2105859138, ClinGen allele CA2499215595.